The following is an entry in ClinVar:

NM_016239.4(MYO15A):c.4144G>T (p.Gly1382Cys)

Gene: MYO15A (myosin XVA; plus strand). Cytogenetic location: 17p11.2.
Variant type: single nucleotide variant.
Coding change: c.4144G>T on transcript NM_016239.4 (MANE Select); coding-DNA position 4144, G replaced by T.
Protein change: p.Gly1382Cys; replaces glycine 1382 with cysteine.
Molecular consequence: missense variant.
Genome position (GRCh38, 1-based): chr17:18,131,469, G>T. VCF-style: chr17-18131469-G-T. GRCh37 (hg19) VCF-style: chr17-18034783-G-T.
Other names: short protein forms G1382C.
Identifiers: ClinVar variation 4527728 (VCV004527728.2).
Genomic context (GRCh38, chr17:18,131,469, plus strand): 5'-TCGGAGCCAACACCAGCCCTCCTACCCTCACTGAGAGCTGACTGTGCTCCCCACCCCAGG[G>T]GCGTGATCTCTGGTGCCATAACCTCCCAGTACCTGCTTGAGAAATCCAGGATCGTGTTTC-3'
Protein context (NP_057323.3, residues 1372-1392): GKFVEIFLEG[Gly1382Cys]VISGAITSQY

ClinVar aggregate classification (germline): Uncertain significance (1 of 4 stars; one submission).

Submission:

GeneDx
Classification: Uncertain significance. Last evaluated: 2026-02-23. Review status: criteria provided, single submitter. Criteria: GeneDx Variant Classification Process June 2021. Collection method: clinical testing. Allele origin: germline.
Comment: Not observed at significant frequency in large population cohorts (gnomAD); In silico analysis supports that this missense variant has a deleterious effect on protein structure/function; Has not been previously published as pathogenic or benign to our knowledge